The following is an entry in ClinVar:

NM_000070.3(CAPN3):c.1220A>G (p.His407Arg)

Gene: CAPN3 (calpain 3; plus strand). Cytogenetic location: 15q15.1.
Variant type: single nucleotide variant.
Coding change: c.1220A>G on transcript NM_000070.3 (MANE Select); coding-DNA position 1220, A replaced by G.
Protein change: p.His407Arg; replaces histidine 407 with arginine.
Molecular consequence: missense variant.
Genome position (GRCh38, 1-based): chr15:42,399,518, A>G. VCF-style: chr15-42399518-A-G. GRCh37 (hg19) VCF-style: chr15-42691716-A-G.
Other names: c.1220A>G, p.His407Arg (NM_024344.2); c.1076A>G, p.His359Arg (NM_173087.2); c.959A>G, p.His320Arg (NM_212464.2); c.*913A>G (NM_212467.2); short protein forms H407R, H359R, H320R.
Identifiers: ClinVar variation 2999476 (VCV002999476.2), dbSNP rs779888851, ClinGen allele CA7511294.
Genomic context (GRCh38, chr15:42,399,518, plus strand): 5'-CCATATGGCTCTCTCTCTTCTTCCAACCTCTCAGGATGTCCTATGAGGATTTCATCTACC[A>G]TTTCACAAAGTTGGAGATCTGCAACCTCACGGCCGATGCTCTGCAGTCTGACAAGCTTCA-3'
Protein context (NP_000061.1, residues 397-417): FWMSYEDFIY[His407Arg]FTKLEICNLT

ClinVar aggregate classification (germline): Uncertain significance (1 of 4 stars; one submission).

Conditions:
Autosomal recessive limb-girdle muscular dystrophy type 2A (LGMDR1). Also called: LEYDEN-MOEBIUS MUSCULAR DYSTROPHY; MUSCULAR DYSTROPHY, PELVOFEMORAL; Limb-girdle muscular dystrophy, type 2A; Calpainopathy; Muscular dystrophy, limb-girdle, type 2A, Amish. Identifiers: Orphanet 267, MedGen C1869123, MONDO:0009675, OMIM 253600. Disease mechanism: loss of function.

Allele frequency attached by ClinVar (database versions not stated): ExAC 0.00001; gnomAD exomes 0.00001.
gnomAD v4.1: 9 of 1,613,782 alleles (0.00056%); highest among the groups gnomAD compares: Middle Eastern, 0.033%; no homozygotes.

Submission:

Labcorp Genetics (formerly Invitae), Labcorp
Classification: Uncertain significance for Autosomal recessive limb-girdle muscular dystrophy type 2A. Last evaluated: 2023-10-13. Review status: criteria provided, single submitter. Criteria: Invitae Variant Classification Sherloc (09022015). Collection method: clinical testing. Allele origin: germline.
Comment: This sequence change replaces histidine, which is basic and polar, with arginine, which is basic and polar, at codon 407 of the CAPN3 protein (p.His407Arg). This variant is present in population databases (rs779888851, gnomAD 0.003%). This variant has not been reported in the literature in individuals affected with CAPN3-related conditions. Advanced modeling of protein sequence and biophysical properties (such as structural, functional, and spatial information, amino acid conservation, physicochemical variation, residue mobility, and thermodynamic stability) performed at Invitae indicates that this missense variant is not expected to disrupt CAPN3 protein function. In summary, the available evidence is currently insufficient to determine the role of this variant in disease. Therefore, it has been classified as a Variant of Uncertain Significance.